The following is an entry in ClinVar:

NM_000051.4(ATM):c.1073A>G (p.Asn358Ser)

Gene: ATM (ATM serine/threonine kinase; plus strand). Cytogenetic location: 11q22.3.
Variant type: single nucleotide variant.
Coding change: c.1073A>G on transcript NM_000051.4 (MANE Select); coding-DNA position 1073, A replaced by G.
Protein change: p.Asn358Ser; replaces asparagine 358 with serine.
Molecular consequence: missense variant.
Genome position (GRCh38, 1-based): chr11:108,248,940, A>G. VCF-style: chr11-108248940-A-G. GRCh37 (hg19) VCF-style: chr11-108119667-A-G.
Other names: p.N358S:AAT>AGT; NM_000051.3(ATM):c.1073A>G; c.1073A>G, p.Asn358Ser (NM_001351834.2); short protein forms N358S.
Identifiers: ClinVar variation 127329 (VCV000127329.54), dbSNP rs149636614, ClinGen allele CA286708.

ClinVar aggregate classification (germline): Benign. Review status: reviewed by expert panel (3 of 4 stars). 22 submissions from 22 submitters: Benign (1). 21 of the submissions do not count toward it. Last evaluated 2022-03-09.

Conditions:
ATM-related cancer predisposition. Also called: ATM-related cancer susceptibility. Identifiers: MedGen CN377759, MONDO:0700270.
ATM-related disorder. Also called: ATM-related disorders; ATM-related condition.
Breast and/or ovarian cancer. Identifiers: MedGen CN221562.
Hereditary cancer-predisposing syndrome. Also called: Tumor predisposition; Hereditary neoplastic syndrome; Neoplastic Syndromes, Hereditary; Hereditary Cancer Syndrome. Identifiers: Orphanet 140162, MedGen C0027672, MeSH D009386, MONDO:0015356.
Familial cancer of breast. Also called: Hereditary breast cancer; hereditary breast carcinoma; BREAST CANCER, FAMILIAL. Identifiers: Orphanet 227535, MedGen C0346153, MONDO:0016419, OMIM 114480. Disease mechanism: loss of function.
Ataxia-telangiectasia syndrome (AT). Also called: LOUIS-BAR SYNDROME; Ataxia-telangiectasia; Ataxia telangiectasia (A-T); Cerebello-oculocutaneous telangiectasia; Immunodeficiency with ataxia telangiectasia; Ataxia-telangiectasia, complementation group D. Identifiers: Orphanet 100, MedGen C0004135, MONDO:0008840, OMIM 208900.
Malignant tumor of breast. Also called: Malignant breast neoplasm; Cancer breast. Identifiers: MedGen C0006142, MONDO:0007254. Disease mechanism: loss of function.

Allele frequency attached by ClinVar (database versions not stated): gnomAD exomes 0.00007 and 0.00016; ExAC 0.00020; 1000 Genomes Project 0.00060; 1000 Genomes Project 30x 0.00062; ESP Exome Variant Server 0.00069; gnomAD 0.00072 and 0.00079; TOPMed 0.00087.
gnomAD v4.1: 221 of 1,605,794 alleles (0.014%); highest among the groups gnomAD compares: African/African-American, 0.24%; 1 homozygote.

Submissions 1 to 13 of 22:

ClinGen Hereditary Breast, Ovarian and Pancreatic Cancer Variant Curation Expert Panel, ClinGen
Classification: Benign for ATM-related cancer predisposition. Last evaluated: 2022-03-09. Review status: reviewed by expert panel. Criteria: clingen hbop acmg specifications atm v1-1. Collection method: curation. Allele origin: germline. Inheritance: Autosomal dominant inheritance.
Comment: The ATM c.1073A>G (p.Asn358Ser) variant has a gnomAD v2.1.1 filtering allele frequency of 0.1523% (African/African-American; exomes) which exceeds the ATM BS1 threshold of 0.05% (BS1). This variant has been observed in a homozygous and compound heterozygous state (presumed) in multiple individuals without biallelic disease (BP2_Strong; GTR Lab IDs: 500031, 61756). In silico protein predictors (ALIGN GVGD: Class C0; REVEL: 0.054; SIFT: tolerated; PolyPhen2: benign) predict that this alteration is not deleterious and in silico splicing predictors (SpliceAI: AL 0.13/DL 0.00/AG 0.00/DG 0.00; MaxEntScan: 0.00% (wild type = 10.82, variant = 10.82)) find that this variant is unlikely to affect splicing (BP4). In summary, this variant meets criteria to be classified as benign based on the ACMG/AMP criteria applied as specified by the HBOP Variant Curation Expert Panel.

Labcorp Genetics (formerly Invitae), Labcorp
Classification: Benign for Ataxia-telangiectasia syndrome. Last evaluated: 2026-01-28. Review status: criteria provided, single submitter. Criteria: Invitae Variant Classification Sherloc (09022015). Collection method: clinical testing. Allele origin: germline. Not counted in ClinVar's aggregate classification.

Laboratorio de I+D, Fundación Centro Médico de Asturias
Classification: Likely benign for Hereditary cancer-predisposing syndrome. Last evaluated: 2025-07-07. Review status: criteria provided, single submitter. Criteria: ACMG Guidelines, 2015. Collection method: clinical testing. Allele origin: germline. Not counted in ClinVar's aggregate classification.
Comment: BP4_Strong+BP1+PM2_Supporting

CeGaT Center for Human Genetics Tuebingen
Classification: Likely benign. Last evaluated: 2025-07-01. Review status: criteria provided, single submitter. Criteria: CeGaT Center For Human Genetics Tuebingen Variant Classification Criteria Version 2. Collection method: clinical testing. Allele origin: germline. Affected: yes. Observed: 1 variant allele. Not counted in ClinVar's aggregate classification.
Comment: ATM: BP4, BS2

Quest Diagnostics Nichols Institute San Juan Capistrano
Classification: Likely benign. Last evaluated: 2025-05-29. Review status: criteria provided, single submitter. Criteria: Quest Diagnostics criteria. Collection method: clinical testing. Allele origin: unknown. Not counted in ClinVar's aggregate classification.

Women's Health and Genetics/Laboratory Corporation of America, LabCorp
Classification: Likely benign. Last evaluated: 2025-05-12. Review status: criteria provided, single submitter. Criteria: LabCorp Variant Classification Summary - May 2015. Collection method: clinical testing. Allele origin: germline. Not counted in ClinVar's aggregate classification.
Comment: Variant summary: ATM c.1073A>G (p.Asn358Ser) results in a conservative amino acid change in the encoded protein sequence. Algorithms developed to predict the effect of missense changes on protein structure and function all suggest that this variant is likely to be tolerated. The variant allele was found at a frequency of 0.00014 in 1605794 control chromosomes, predominantly at a frequency of 0.0024 within the African or African-American subpopulation in the gnomAD database, including 1 homozygotes. The observed variant frequency within African or African-American control individuals in the gnomAD database is approximately 2.4 fold of the estimated maximal expected allele frequency for a pathogenic variant in ATM causing Breast Cancer phenotype (0.001). c.1073A>G has been reported in the literature in individuals affected with Breast Cancer (e.g. Decker_2017) and Lynch Syndrome (e.g. Yurgelun_2015). These reports do not provide unequivocal conclusions about association of the variant with Breast Cancer. The following publications have been ascertained in the context of this evaluation (PMID: 27621404, 28779002, 27720647, 30541756, 28652578, 25980754, 31206626). ClinVar contains an entry for this variant (Variation ID: 127329). ClinVar contains an entry for this variant (Variation ID: 127329). Based on the evidence outlined above, the variant was classified as likely benign.

Institute for Biomarker Research, Medical Diagnostic Laboratories, L.L.C.
Classification: Benign for Hereditary cancer-predisposing syndrome. Last evaluated: 2025-01-30. Review status: criteria provided, single submitter. Criteria: ACMG Guidelines, 2015. Collection method: clinical testing. Allele origin: germline. Not counted in ClinVar's aggregate classification.
Comment: The missense variant NM_000051.4(ATM):c.1073A>G (p.Asn358Ser) has been reported to ClinVar as Benign with a status of (3 stars) reviewed by expert panel (Variation ID 127329 as of 2025-01-02). The variant is observed in one or more well-documented healthy adults. There is a small physicochemical difference between asparagine and serine, which is not likely to impact secondary protein structure as these residues share similar properties. The p.Asn358Ser variant is not predicted to disrupt the existing acceptor splice site 8bp upstream by any splice site algorithm. The p.Asn358Ser variant is not predicted to introduce a novel splice site by any splice site algorithm. The p.Asn358Ser missense variant is predicted to be tolerated by both SIFT or PolyPhen2.The nucleotide c.1073 in ATM is not conserved according to a GERP++ and PhyloP analysis of 100 vertebrates. For these reasons, this variant has been classified as Benign.

Molecular Diagnostics Laboratory, Catalan Institute of Oncology
Classification: Benign for Hereditary cancer-predisposing syndrome. Last evaluated: 2024-12-04. Review status: criteria provided, single submitter. Criteria: ClinGen ACMG Specifications ATM V1.1.0. Collection method: clinical testing. Allele origin: germline. Not counted in ClinVar's aggregate classification.
Comment: BS1, BP2_Strong, BP4 Variant classified as benign by a ClinGen expert panel (Hereditary Breast, Ovarian and Pancreatic Cancer VCEP). Expert panel classification date : (2022-07-11)\"The ATM c.1073A>G (p.Asn358Ser) variant has a gnomAD v2.1.1 filtering allele frequency of 0.1523% (African/African-American; exomes) which exceeds the ATM BS1 threshold of 0.05% (BS1). This variant has been observed in a homozygous and compound heterozygous state (presumed) in multiple individuals without biallelic disease (BP2_Strong; GTR Lab IDs: 500031, 61756). In silico protein predictors (ALIGN GVGD: Class C0; REVEL: 0.054; SIFT: tolerated; PolyPhen2: benign) predict that this alteration is not deleterious and in silico splicing predictors (SpliceAI: AL 0.13/DL 0.00/AG 0.00/DG 0.00; MaxEntScan: 0.00% (wild type = 10.82, variant = 10.82)) find that this variant is unlikely to affect splicing (BP4). In summary, this variant meets criteria to be classified as benign based on the ACMG/AMP criteria applied as specified by the HBOP Variant Curation Expert Panel.\"

Color Diagnostics, LLC DBA Color Health
Classification: Likely benign for Hereditary cancer-predisposing syndrome. Last evaluated: 2024-09-19. Review status: criteria provided, single submitter. Criteria: ACMG Guidelines, 2015. Collection method: clinical testing. Allele origin: germline. Not counted in ClinVar's aggregate classification.

Myriad Genetics, Inc.
Classification: Likely benign for Familial cancer of breast. Last evaluated: 2024-04-25. Review status: criteria provided, single submitter. Criteria: Myriad Autosomal Dominant, Autosomal Recessive and X-Linked Classification Criteria (2023). Collection method: clinical testing. Allele origin: unknown. Not counted in ClinVar's aggregate classification.
Comment: This variant is considered likely benign. This variant is strongly associated with less severe personal and family histories of cancer, typical for individuals without pathogenic variants in this gene [PMID: 25085752].

Blueprint Genetics
Classification: Uncertain significance. Last evaluated: 2024-04-22. Review status: criteria provided, single submitter. Criteria: ACMG Guidelines, 2015. Collection method: clinical testing. Allele origin: germline. Not counted in ClinVar's aggregate classification.

Sema4
Classification: Likely benign for Hereditary cancer-predisposing syndrome. Last evaluated: 2021-01-28. Review status: criteria provided, single submitter. Criteria: Sema4 Curation Guidelines. Collection method: curation. Allele origin: germline. Not counted in ClinVar's aggregate classification.

CHEO Genetics Diagnostic Laboratory, Children's Hospital of Eastern Ontario
Classification: Uncertain significance for Breast and/or ovarian cancer. Last evaluated: 2019-10-03. Review status: criteria provided, single submitter. Criteria: ACMG Guidelines, 2015. Collection method: clinical testing. Allele origin: germline. Not counted in ClinVar's aggregate classification.